The following is an entry in ClinVar:

ClinVar aggregate classification (germline): Likely pathogenic. Review status: reviewed by expert panel (3 of 4 stars). 5 submissions from 5 submitters: Likely pathogenic (1). 4 of the submissions do not count toward it. Last evaluated 2022-09-22.

Conditions:
Very long chain acyl-CoA dehydrogenase deficiency (ACADVLD). Also called: Very Long-Chain Acyl-Coenzyme A Dehydrogenase Deficiency; VLCAD Deficiency. Identifiers: Orphanet 26793, MedGen C3887523, MONDO:0008723, OMIM 201475.

Submissions (5):

ClinGen ACADVL Variant Curation Expert Panel, ClinGen
Classification: Likely pathogenic for Very long chain acyl-CoA dehydrogenase deficiency. Last evaluated: 2022-09-22. Review status: reviewed by expert panel. Criteria: clingen acadvl acmg specifications v1. Collection method: curation. Allele origin: germline. Inheritance: Autosomal recessive inheritance.
Comment: The c.1039del (p.Ala347Profs*6) variant in ACADVL is a frameshift variant predicted to cause a premature stop codon in biologically-relevant-exon 10/20 leading to nonsense mediated decay in a gene in which loss-of-function is an established disease mechanism (PVS1; PMIDs 9973285, 11590124). This variant has been detected in one individual identified by abnormal newborn screening or presumed positive on newborn screening for very long chain acyl CoA dehydrogenase (VLCAD) deficiency with no reported follow-up plasma acylcarnitine or enzyme activity; a second distinct pathogenic or likely pathogenic variant in ACADVL was not reported in this individual (PMID: 26385305). To our knowledge, functional assays have not been reported for this variant. This variant is absent from gnomAD 2.1.1 (PM2_Supporting). In summary, this variant meets the criteria to be classified as LIKELY PATHOGENIC for autosomal recessive very long chain acyl-CoA dehydrogenase (VLCAD) deficiency based on the ACMG/AMP criteria applied, as specified by the ClinGen ACADVL Variant Curation Expert Panel: PVS1, PM2_Supporting (ClinGen ACADVL VCEP specifications version#1; 07-03-2022).

Labcorp Genetics (formerly Invitae), Labcorp
Classification: Pathogenic for Very long chain acyl-CoA dehydrogenase deficiency. Last evaluated: 2025-12-29. Review status: criteria provided, single submitter. Criteria: Invitae Variant Classification Sherloc (09022015). Collection method: clinical testing. Allele origin: germline. Not counted in ClinVar's aggregate classification.
Comment: This sequence change creates a premature translational stop signal (p.Ala347Profs*6) in the ACADVL gene. It is expected to result in an absent or disrupted protein product. Loss-of-function variants in ACADVL are known to be pathogenic (PMID: 9973285, 11590124). This variant is not present in population databases (gnomAD no frequency). This premature translational stop signal has been observed in individual(s) with ACADVL-related conditions (PMID: 26385305). ClinVar contains an entry for this variant (Variation ID: 932848). For these reasons, this variant has been classified as Pathogenic.

Myriad Genetics, Inc.
Classification: Pathogenic for Very long chain acyl-CoA dehydrogenase deficiency. Last evaluated: 2025-05-10. Review status: criteria provided, single submitter. Criteria: Myriad Autosomal Dominant, Autosomal Recessive and X-Linked Classification Criteria (2023). Collection method: clinical testing. Allele origin: unknown. Not counted in ClinVar's aggregate classification.
Comment: NM_000018.3(ACADVL):c.1039delG(A347Pfs*6) is a frameshift variant classified as pathogenic in the context of very-long-chain acyl-CoA dehydrogenase deficiency. A347Pfs*6 has not been observed in cases with relevant disease. Relevant functional assessments of this variant are not available in the literature. A347Pfs*6 has not been observed in referenced population frequency databases. In summary, NM_000018.3(ACADVL):c.1039delG(A347Pfs*6) is a frameshift variant in a gene where loss of function is a known mechanism of disease and is predicted to disrupt protein function. Please note: this variant was assessed in the context of healthy population screening.

ARUP Laboratories, Molecular Genetics and Genomics, ARUP Laboratories
Classification: Pathogenic for Very long chain acyl-CoA dehydrogenase deficiency. Last evaluated: 2024-03-08. Review status: criteria provided, single submitter. Criteria: ARUP Molecular Germline Variant Investigation Process 2024. Collection method: clinical testing. Allele origin: germline. Not counted in ClinVar's aggregate classification.
Comment: The ACADVL c.1039delG; p.Ala347ProfsTer6 variant (rs2071295244) is reported in the literature in an infant with a positive newborn screen (Miller 2015). This variant is reported in ClinVar (Variation ID: 932848) and is absent from the Genome Aggregation Database, indicating it is not a common polymorphism. This variant causes a frameshift by deleting a single nucleotide, so it is predicted to result in a truncated protein or mRNA subject to nonsense-mediated decay. Based on available information, this variant is considered to be pathogenic. References: Miller MJ et al. Recurrent ACADVL molecular findings in individuals with a positive newborn screen for very long chain acyl-coA dehydrogenase (VLCAD) deficiency in the United States. Mol Genet Metab. 2015 Nov;116(3):139-45. PMID: 26385305.

Wong Mito Lab, Molecular and Human Genetics, Baylor College of Medicine
Classification: Pathogenic for Very long chain acyl-CoA dehydrogenase deficiency. Last evaluated: 2019-11-01. Review status: criteria provided, single submitter. Criteria: ACMG Guidelines, 2015. Collection method: clinical testing. Allele origin: germline. Not counted in ClinVar's aggregate classification.
Comment: The NM_000018.3:c.1039delG (NP_000009.1:p.Ala347ProfsTer6) [GRCH38: NC_000017.11:g.7222827del] variant in ACADVL gene is interpretated to be Pathogenic based on ACMG guidelines (PMID: 25741868). This variant has been reported. This variant meets the following evidence codes reported in the ACMG guidelines: PVS1, PS3

Literature cited by the submitters: PubMed 9973285 (cited by Labcorp Genetics (formerly Invitae), Labcorp); PubMed 11590124 (cited by Labcorp Genetics (formerly Invitae), Labcorp); PubMed 26385305 (cited by Labcorp Genetics (formerly Invitae), Labcorp).

NM_000018.4(ACADVL):c.1039del (p.Ala347fs)

Gene: ACADVL (acyl-CoA dehydrogenase very long chain; plus strand). Cytogenetic location: 17p13.1.
Variant type: Deletion.
Coding change: c.1039del on transcript NM_000018.4 (MANE Select); coding-DNA position 1039, one base deleted (G; older notation c.1039delG).
Protein change: p.Ala347fs; shifts the reading frame from alanine 347.
Molecular consequence: frameshift variant.
Genome position (GRCh38, 1-based): chr17:7,222,827, G deleted; the last of 2 consecutive G bases (chr17:7,222,826-7,222,827); deleting either gives the same sequence. VCF-style (leftmost placement, unchanged base first): chr17-7222825-CG-C. GRCh37 (hg19) VCF-style: chr17-7126144-CG-C.
Other names: NM_000018.4(ACADVL):c.1039del; p.Ala347fs; c.973del, p.Ala325fs (NM_001033859.3); c.1108del, p.Ala370fs (NM_001270447.2); c.811del, p.Ala271fs (NM_001270448.2); short protein forms A370fs, A347fs, A271fs, A325fs.
Identifiers: ClinVar variation 932848 (VCV000932848.16), dbSNP rs2071295244, ClinGen allele CA1139665145.